The following is an entry in ClinVar:

ClinVar aggregate classification (germline): Uncertain significance (1 of 4 stars; one submission).

gnomAD v4.1: 24 of 1,613,614 alleles (0.0015%); highest among the groups gnomAD compares: Non-Finnish European, 0.0019%; no homozygotes.

Submission:

Mayo Clinic Laboratories, Mayo Clinic
Classification: Uncertain significance. Last evaluated: 2025-02-27. Review status: criteria provided, single submitter. Criteria: ACMG Guidelines, 2015. Collection method: clinical testing. Allele origin: germline. Observed: 1 variant allele.
Comment: PP3

NM_001557.4(CXCR2):c.953G>A (p.Gly318Asp)

Gene: CXCR2 (C-X-C motif chemokine receptor 2; plus strand). Cytogenetic location: 2q35.
Variant type: single nucleotide variant.
Coding change: c.953G>A on transcript NM_001557.4 (MANE Select); coding-DNA position 953, G replaced by A.
Protein change: p.Gly318Asp; replaces glycine 318 with aspartic acid.
Molecular consequence: missense variant.
Genome position (GRCh38, 1-based): chr2:218,135,754, G>A. VCF-style: chr2-218135754-G-A. GRCh37 (hg19) VCF-style: chr2-219000477-G-A.
Other names: p.Gly318Asp; c.953G>A, p.Gly318Asp (NM_001168298.2); short protein forms G318D.
Identifiers: ClinVar variation 4540800 (VCV004540800.1).
Genomic context (GRCh38, chr2:218,135,754, plus strand): 5'-CCACCGAGATTCTGGGCATCCTTCACAGCTGCCTCAACCCCCTCATCTACGCCTTCATTG[G>A]CCAGAAGTTTCGCCATGGACTCCTCAAGATTCTAGCTATACATGGCTTGATCAGCAAGGA-3'
Protein context (NP_001548.1, residues 308-328): CLNPLIYAFI[Gly318Asp]QKFRHGLLKI